The following is an entry in ClinVar:

ClinVar aggregate classification (germline): Uncertain significance. Review status: criteria provided, multiple submitters, no conflicts (2 of 4 stars). 7 submissions from 7 submitters: Uncertain significance (5). 2 of the submissions do not count toward it. Last evaluated 2026-02-02.

Conditions:
Peroxisome biogenesis disorder 4A (Zellweger) (PBD4A). Also called: Zellweger syndrome spectrum (PEX6-related). Identifiers: Orphanet 912, MedGen C3553936, MONDO:0013930, OMIM 614862. Disease mechanism: loss of function.
Peroxisome biogenesis disorder. Identifiers: Orphanet 79189, MedGen C1832200, MONDO:0019234. Disease mechanism: loss of function.
Zellweger spectrum disorders (ZS). Also called: Zellweger Spectrum Disorder; Zellweger Spectrum; Zellweger syndrome; Zellweger Spectrum Disorder (ZSD). Identifiers: Orphanet 912, MedGen C0043459, MONDO:0019609.
PEX6-related disorder. Also called: PEX6-related disorders; PEX6-related condition.

Allele frequency attached by ClinVar (database versions not stated): gnomAD exomes 0.00027; gnomAD 0.00036 and 0.00037; TOPMed 0.00038; 1000 Genomes Project 0.00040; ExAC 0.00043; 1000 Genomes Project 30x 0.00047; ESP Exome Variant Server 0.00088.

Submissions (7):

Labcorp Genetics (formerly Invitae), Labcorp
Classification: Uncertain significance for Peroxisome biogenesis disorder. Last evaluated: 2026-02-02. Review status: criteria provided, single submitter. Criteria: Invitae Variant Classification Sherloc (09022015). Collection method: clinical testing. Allele origin: germline.
Comment: This sequence change replaces proline, which is neutral and non-polar, with leucine, which is neutral and non-polar, at codon 168 of the PEX6 protein (p.Pro168Leu). This variant is present in population databases (rs200026148, gnomAD 0.06%). This variant has not been reported in the literature in individuals affected with PEX6-related conditions. ClinVar contains an entry for this variant (Variation ID: 356805). An algorithm developed to predict the effect of missense changes on protein structure and function outputs the following: PolyPhen-2: "Benign". The leucine amino acid residue is found in multiple mammalian species, which suggests that this missense change does not adversely affect protein function. In summary, the available evidence is currently insufficient to determine the role of this variant in disease. Therefore, it has been classified as a Variant of Uncertain Significance.

Mayo Clinic Laboratories, Mayo Clinic
Classification: Uncertain significance. Last evaluated: 2023-01-06. Review status: criteria provided, single submitter. Criteria: ACMG Guidelines, 2015. Collection method: clinical testing. Allele origin: germline. Observed: 1 variant allele.
Comment: BP4, PM2

Revvity Omics, Revvity
Classification: Uncertain significance. Last evaluated: 2020-04-22. Review status: criteria provided, single submitter. Criteria: ACMG Guidelines, 2015. Collection method: clinical testing. Allele origin: germline.

Illumina Laboratory Services, Illumina
Classification: Uncertain significance for Peroxisome biogenesis disorder 4A (Zellweger). Last evaluated: 2018-01-13. Review status: criteria provided, single submitter. Criteria: ICSL Variant Classification Criteria 13 December 2019. Collection method: clinical testing. Allele origin: germline.

Breakthrough Genomics
Classification: Uncertain significance. Review status: criteria provided, single submitter. Criteria: ACMG Guidelines, 2015. Collection method: not provided. Allele origin: germline. Inheritance: Autosomal recessive inheritance. Affected: yes.

PreventionGenetics, part of Exact Sciences
Classification: Uncertain significance for PEX6-related condition. Last evaluated: 2024-08-30. Review status: no assertion criteria provided. Collection method: clinical testing. Allele origin: germline. Not counted in ClinVar's aggregate classification.
Comment: The PEX6 c.503C>T variant is predicted to result in the amino acid substitution p.Pro168Leu. To our knowledge, this variant has not been reported in the literature. This variant is reported in 0.055% of alleles in individuals of European (Non-Finnish) descent in gnomAD, is likely too frequent for a disease-associated variant. At this time, the clinical significance of this variant is uncertain due to the absence of conclusive functional and genetic evidence.

Natera, Inc.
Classification: Uncertain significance for Zellweger syndrome. Last evaluated: 2019-10-28. Review status: no assertion criteria provided. Collection method: clinical testing. Allele origin: germline. Not counted in ClinVar's aggregate classification.

NM_000287.4(PEX6):c.503C>T (p.Pro168Leu)

Gene: PEX6 (peroxisomal biogenesis factor 6; minus strand). Cytogenetic location: 6p21.1.
Variant type: single nucleotide variant.
Coding change: c.503C>T on transcript NM_000287.4 (MANE Select); coding-DNA position 503, C replaced by T.
Protein change: p.Pro168Leu; replaces proline 168 with leucine.
Molecular consequence: missense variant. On other transcripts: non-coding transcript variant (1).
Genome position (GRCh38, 1-based): chr6:42,978,648, G>A on the plus strand (C>T on the coding strand, the complement: PEX6 is on the minus strand). VCF-style: chr6-42978648-G-A. GRCh37 (hg19) VCF-style: chr6-42946386-G-A.
Other names: p.Pro168Leu; c.503C>T, p.Pro168Leu (NM_001316313.2); short protein forms P168L.
Identifiers: ClinVar variation 356805 (VCV000356805.15), dbSNP rs200026148, ClinGen allele CA3811612.